The following is an entry in ClinVar:

ClinVar aggregate classification (germline): Likely benign. Review status: criteria provided, multiple submitters, no conflicts (2 of 4 stars). 2 submissions from 2 submitters: Likely benign (2). Last evaluated 2024-08-08.

Conditions:
Landau-Kleffner syndrome (FESD). Also called: EPILEPSY, FOCAL, WITH SPEECH DISORDER AND WITH OR WITHOUT MENTAL RETARDATION; APHASIA, ACQUIRED, WITH EPILEPSY. Identifiers: Orphanet 1945, Orphanet 725, Orphanet 98818, MedGen C0282512, MONDO:0009509, OMIM 245570.

Allele frequency attached by ClinVar (database versions not stated): gnomAD exomes 0.00001; gnomAD 0.00004 and below 0.00001; ExAC 0.00002.
gnomAD v4.1: 28 of 1,613,314 alleles (0.0017%); highest among the groups gnomAD compares: South Asian, 0.027%; no homozygotes.

Submissions (2):

Labcorp Genetics (formerly Invitae), Labcorp
Classification: Likely benign for Landau-Kleffner syndrome. Last evaluated: 2024-08-08. Review status: criteria provided, single submitter. Criteria: Invitae Variant Classification Sherloc (09022015). Collection method: clinical testing. Allele origin: germline.

GeneDx
Classification: Likely benign. Last evaluated: 2015-10-16. Review status: criteria provided, single submitter. Criteria: GeneDx Variant Classification (06012015). Collection method: clinical testing. Allele origin: germline. Affected: yes.
Comment: This variant is considered likely benign or benign based on one or more of the following criteria: it is a conservative change, it occurs at a poorly conserved position in the protein, it is predicted to be benign by multiple in silico algorithms, and/or has population frequency not consistent with disease.

NM_001134407.3(GRIN2A):c.1428C>T (p.Asp476=)

Gene: GRIN2A (glutamate ionotropic receptor NMDA type subunit 2A; minus strand). Cytogenetic location: 16p13.2.
Variant type: single nucleotide variant.
Coding change: c.1428C>T on transcript NM_001134407.3 (MANE Select); coding-DNA position 1428, C replaced by T.
Protein change: p.Asp476=; no amino-acid change (aspartic acid 476 retained).
Molecular consequence: synonymous variant.
Genome position (GRCh38, 1-based): chr16:9,841,005, G>A on the plus strand (C>T on the coding strand, the complement: GRIN2A is on the minus strand). VCF-style: chr16-9841005-G-A. GRCh37 (hg19) VCF-style: chr16-9934862-G-A.
Other names: c.1428C>T, p.Asp476= (NM_000833.5, NM_001134408.2).
Identifiers: ClinVar variation 380766 (VCV000380766.8), dbSNP rs762674544, ClinGen allele CA7896728.